The following is an entry in ClinVar:

NM_001385012.1(NBEA):c.2098G>A (p.Glu700Lys)

Gene: NBEA (neurobeachin; plus strand). Cytogenetic location: 13q13.3.
Variant type: single nucleotide variant.
Coding change: c.2098G>A on transcript NM_001385012.1 (MANE Select); coding-DNA position 2098, G replaced by A.
Protein change: p.Glu700Lys; replaces glutamic acid 700 with lysine.
Molecular consequence: missense variant.
Genome position (GRCh38, 1-based): chr13:35,118,243, G>A. VCF-style: chr13-35118243-G-A. GRCh37 (hg19) VCF-style: chr13-35692380-G-A.
Other names: c.2098G>A, p.Glu700Lys (NM_001379245.1, NM_015678.5); short protein forms E700K.
Identifiers: ClinVar variation 2582019 (VCV002582019.1), dbSNP rs2503140619, ClinGen allele CA387832065.

ClinVar aggregate classification (germline): Uncertain significance (1 of 4 stars; one submission).

Submission:

GeneDx
Classification: Uncertain significance. Last evaluated: 2023-03-26. Review status: criteria provided, single submitter. Criteria: GeneDx Variant Classification Process June 2021. Collection method: clinical testing. Allele origin: germline. Affected: yes.
Comment: Not observed at significant frequency in large population cohorts (gnomAD); In silico analysis supports that this missense variant has a deleterious effect on protein structure/function; Has not been previously published as pathogenic or benign to our knowledge